The following is an entry in ClinVar:

NM_002907.4(RECQL):c.1744G>A (p.Glu582Lys)

Genes: PYROXD1 (pyridine nucleotide-disulphide oxidoreductase domain 1; plus strand), RECQL (RecQ like helicase; minus strand). Cytogenetic location: 12p12.1.
Variant type: single nucleotide variant.
Coding change: c.1744G>A on transcript NM_002907.4 (MANE Select); coding-DNA position 1744, G replaced by A.
Protein change: p.Glu582Lys; replaces glutamic acid 582 with lysine.
Molecular consequence: missense variant. On other transcripts: 3 prime UTR variant (3).
Genome position (GRCh38, 1-based): chr12:21,471,022, C>T on the plus strand (G>A on the coding strand, the complement: RECQL is on the minus strand). VCF-style: chr12-21471022-C-T. GRCh37 (hg19) VCF-style: chr12-21623956-C-T.
Other names: c.1744G>A, p.Glu582Lys (NM_032941.3); c.*2268C>T (NM_001350912.2, NM_001350913.2, NM_024854.5); short protein forms E582K.
Identifiers: ClinVar variation 1779261 (VCV001779261.2), dbSNP rs2540313716, ClinGen allele CA384114514.

ClinVar aggregate classification (germline): Uncertain significance (1 of 4 stars; one submission).

Allele frequency attached by ClinVar (database versions not stated): gnomAD exomes below 0.00001.
gnomAD v4.1: 1 of 1,598,618 alleles (0.000063%); highest among the groups gnomAD compares: Non-Finnish European, 0.000085%; no homozygotes.

Submission:

Ambry Genetics
Classification: Uncertain significance. Last evaluated: 2020-10-30. Review status: criteria provided, single submitter. Criteria: Ambry Variant Classification Scheme 2023. Collection method: clinical testing. Allele origin: germline.
Comment: The p.E582K variant (also known as c.1744G>A), located in coding exon 13 of the RECQL gene, results from a G to A substitution at nucleotide position 1744. The glutamic acid at codon 582 is replaced by lysine, an amino acid with similar properties. This amino acid position is not well conserved in available vertebrate species. In addition, this alteration is predicted to be tolerated by in silico analysis. Since supporting evidence is limited at this time, the clinical significance of this alteration remains unclear.